The following is an entry in ClinVar:

ClinVar aggregate classification (germline): Likely benign (1 of 4 stars; one submission).

Allele frequency attached by ClinVar (database versions not stated): gnomAD exomes 0.00001; gnomAD 0.00002; TOPMed 0.00002.
gnomAD v4.1: 22 of 1,610,764 alleles (0.0014%); highest among the groups gnomAD compares: Non-Finnish European, 0.0019%; no homozygotes.

Submission:

CeGaT Center for Human Genetics Tuebingen
Classification: Likely benign. Last evaluated: 2023-09-01. Review status: criteria provided, single submitter. Criteria: CeGaT Center For Human Genetics Tuebingen Variant Classification Criteria Version 2. Collection method: clinical testing. Allele origin: germline. Affected: yes. Observed: 1 variant allele.
Comment: ARID1A: BP4, BS2

NM_006015.6(ARID1A):c.5300A>T (p.Glu1767Val)

Gene: ARID1A (AT-rich interaction domain 1A; plus strand). Cytogenetic location: 1p36.11.
Variant type: single nucleotide variant.
Coding change: c.5300A>T on transcript NM_006015.6 (MANE Select); coding-DNA position 5300, A replaced by T.
Protein change: p.Glu1767Val; replaces glutamic acid 1767 with valine.
Molecular consequence: missense variant.
Genome position (GRCh38, 1-based): chr1:26,779,198, A>T. VCF-style: chr1-26779198-A-T. GRCh37 (hg19) VCF-style: chr1-27105689-A-T.
Other names: c.4649A>T, p.Glu1550Val (NM_139135.4); short protein forms E1550V, E1767V.
Identifiers: ClinVar variation 2638542 (VCV002638542.24), dbSNP rs1309206594, ClinGen allele CA339184640.